The following is an entry in ClinVar:

NM_024753.5(TTC21B):c.879C>T (p.Leu293=)

Gene: TTC21B (tetratricopeptide repeat domain 21B; minus strand). Cytogenetic location: 2q24.3.
Variant type: single nucleotide variant.
Coding change: c.879C>T on transcript NM_024753.5 (MANE Select); coding-DNA position 879, C replaced by T.
Protein change: p.Leu293=; no amino-acid change (leucine 293 retained).
Molecular consequence: synonymous variant.
Genome position (GRCh38, 1-based): chr2:165,931,773, G>A on the plus strand (C>T on the coding strand, the complement: TTC21B is on the minus strand). VCF-style: chr2-165931773-G-A. GRCh37 (hg19) VCF-style: chr2-166788283-G-A.
Other names: c.879C>T (NM_024753.4).
Identifiers: ClinVar variation 4957362 (VCV004957362.2).

ClinVar aggregate classification (germline): Likely benign. Review status: criteria provided, multiple submitters, no conflicts (2 of 4 stars). 2 submissions from 2 submitters: Likely benign (2). Last evaluated 2025-05-12.

Conditions:
TTC21B-related disorder. Also called: TTC21B-related condition; TTC21B-related disorders.

gnomAD v4.1: 15 of 1,613,068 alleles (0.00093%); highest among the groups gnomAD compares: East Asian, 0.016%; no homozygotes.

Submissions (2):

PreventionGenetics, part of Exact Sciences
Classification: Likely benign for TTC21B-related condition. Last evaluated: 2025-05-12. Review status: criteria provided, single submitter. Criteria: ACMG Guidelines, 2015. Collection method: clinical testing. Allele origin: germline.
Comment: This variant is classified as likely benign based on ACMG/AMP sequence variant interpretation guidelines (Richards et al. 2015 PMID: 25741868, with internal and published modifications).

Blueprint Genetics
Classification: Likely benign. Last evaluated: 2019-08-07. Review status: criteria provided, single submitter. Criteria: ACMG Guidelines, 2015. Collection method: clinical testing. Allele origin: germline.